The following is an entry in ClinVar:

NM_000836.4(GRIN2D):c.1252C>A (p.Arg418Ser)

Gene: GRIN2D (glutamate ionotropic receptor NMDA type subunit 2D; plus strand). Cytogenetic location: 19q13.33.
Variant type: single nucleotide variant.
Coding change: c.1252C>A on transcript NM_000836.4 (MANE Select); coding-DNA position 1252, C replaced by A.
Protein change: p.Arg418Ser; replaces arginine 418 with serine.
Molecular consequence: missense variant.
Genome position (GRCh38, 1-based): chr19:48,414,424, C>A. VCF-style: chr19-48414424-C-A. GRCh37 (hg19) VCF-style: chr19-48917681-C-A.
Other names: short protein forms R418S.
Identifiers: ClinVar variation 2503215 (VCV002503215.1), dbSNP rs2513671070, ClinGen allele CA406695173.

ClinVar aggregate classification (germline): Uncertain significance (1 of 4 stars; one submission).

Submission:

GeneDx
Classification: Uncertain significance. Last evaluated: 2022-11-25. Review status: criteria provided, single submitter. Criteria: GeneDx Variant Classification Process June 2021. Collection method: clinical testing. Allele origin: germline. Affected: yes.
Comment: Not observed at significant frequency in large population cohorts (gnomAD); In silico analysis supports that this missense variant has a deleterious effect on protein structure/function; Has not been previously published as pathogenic or benign to our knowledge